The following is an entry in ClinVar:

ClinVar aggregate classification (germline): Uncertain significance (0 of 4 stars; one submission).

Conditions:
RYR2-related disorder. Also called: RYR2-related condition.

Submission:

PreventionGenetics, part of Exact Sciences
Classification: Uncertain significance for RYR2-related condition. Last evaluated: 2024-06-06. Review status: no assertion criteria provided. Collection method: clinical testing. Allele origin: germline.
Comment: The RYR2 c.1045A>T variant is predicted to result in the amino acid substitution p.Met349Leu. To our knowledge, this variant has not been reported in the literature or in a large population database, indicating this variant is rare. At this time, the clinical significance of this variant is uncertain due to the absence of conclusive functional and genetic evidence.

NM_001035.3(RYR2):c.1045A>T (p.Met349Leu)

Gene: RYR2 (ryanodine receptor 2; plus strand). Cytogenetic location: 1q43.
Variant type: single nucleotide variant.
Coding change: c.1045A>T on transcript NM_001035.3 (MANE Select); coding-DNA position 1045, A replaced by T.
Protein change: p.Met349Leu; replaces methionine 349 with leucine.
Molecular consequence: missense variant.
Genome position (GRCh38, 1-based): chr1:237,441,358, A>T. VCF-style: chr1-237441358-A-T. GRCh37 (hg19) VCF-style: chr1-237604658-A-T.
Other names: short protein forms M349L.
Identifiers: ClinVar variation 3346363 (VCV003346363.1).